The following is an entry in ClinVar:

ClinVar aggregate classification (germline): Uncertain significance (1 of 4 stars; one submission).

Conditions:
Malignant hyperthermia, susceptibility to, 5 (MHS5). Also called: CACNA1S-Related Malignant Hyperthermia Susceptibility. Identifiers: Orphanet 423, MedGen C1866077, MONDO:0011163, OMIM 601887.

Allele frequency attached by ClinVar (database versions not stated): gnomAD 0.00001.
gnomAD v4.1: 1 of 1,613,156 alleles (0.000062%); highest among the groups gnomAD compares: Non-Finnish European, 0.000085%; no homozygotes.

Submission:

All of Us Research Program, National Institutes of Health
Classification: Uncertain significance for Malignant hyperthermia, susceptibility to, 5. Last evaluated: 2023-06-08. Review status: criteria provided, single submitter. Criteria: ACMG Guidelines, 2015. Collection method: clinical testing. Allele origin: germline. Inheritance: Autosomal dominant inheritance. Observed: 1 variant allele, 1 heterozygote.
Comment: This missense variant replaces isoleucine with asparagine at codon 45 of the CACNA1S protein. Computational prediction suggests that this variant may not impact protein structure and function (internally defined REVEL score threshold <= 0.5, PMID: 27666373). To our knowledge, functional studies have not been reported for this variant. This variant has not been reported in individuals affected with CACNA1S-related disorders in the literature. This variant has not been identified in the general population by the Genome Aggregation Database (gnomAD). The available evidence is insufficient to determine the role of this variant in disease conclusively. Therefore, this variant is classified as a Variant of Uncertain Significance.

This study involves interpretation of variants in research participants for the purpose of population health screening. Participant phenotype was not available at the time of variant classification. Additional details can be found in publication PMID: 35346344, PMCID: PMC8962531

NM_000069.3(CACNA1S):c.134T>A (p.Ile45Asn)

Gene: CACNA1S (calcium voltage-gated channel subunit alpha1 S; minus strand). Cytogenetic location: 1q32.1.
Variant type: single nucleotide variant.
Coding change: c.134T>A on transcript NM_000069.3 (MANE Select); coding-DNA position 134, T replaced by A.
Protein change: p.Ile45Asn; replaces isoleucine 45 with asparagine.
Molecular consequence: missense variant.
Genome position (GRCh38, 1-based): chr1:201,112,206, A>T on the plus strand (T>A on the coding strand, the complement: CACNA1S is on the minus strand). VCF-style: chr1-201112206-A-T. GRCh37 (hg19) VCF-style: chr1-201081334-A-T.
Other names: short protein forms I45N.
Identifiers: ClinVar variation 3071501 (VCV003071501.1), dbSNP rs2464701347, ClinGen allele CA344157656.